The following is an entry in ClinVar:

NM_152564.5(VPS13B):c.11733C>T (p.Ala3911=)

Gene: VPS13B (vacuolar protein sorting 13 homolog B; plus strand). Cytogenetic location: 8q22.2.
Variant type: single nucleotide variant.
Coding change: c.11733C>T on transcript NM_152564.5 (MANE Select); coding-DNA position 11733, C replaced by T.
Protein change: p.Ala3911=; no amino-acid change (alanine 3911 retained).
Molecular consequence: synonymous variant.
Genome position (GRCh38, 1-based): chr8:99,871,685, C>T. VCF-style: chr8-99871685-C-T. GRCh37 (hg19) VCF-style: chr8-100883913-C-T.
Other names: c.11808C>T, p.Ala3936= (NM_017890.5).
Identifiers: ClinVar variation 2141750 (VCV002141750.5), dbSNP rs905155393, ClinGen allele CA182331813.
Genomic context (GRCh38, chr8:99,871,685, plus strand): 5'-TGCACAGGACAGCAAGCAGAACAACTTACTCACAGTGCAGCTCAAGCAGCCAAGAGTGGC[C>T]TGTGATGTGGAGGTACGTTTCAGAAAACAGGGCAACCAAGACTAGCTGGCCAGGGAGGTT-3'
Protein context (NP_689777.3, residues 3901-3921): LTVQLKQPRV[Ala3911=]CDVEVDGVRE

ClinVar aggregate classification (germline): Likely benign. Review status: criteria provided, single submitter (1 of 4 stars). 2 submissions from 2 submitters: Likely benign (1). 1 of the submissions does not count toward it. Last evaluated 2024-12-03.

Conditions:
VPS13B-related disorder. Also called: VPS13B-related condition.
Cohen syndrome (COH1). Also called: PEPPER SYNDROME; Cutis verticis gyrata, retinitis pigmentosa, and sensorineural deafness. Identifiers: Orphanet 193, MedGen C0265223, MONDO:0008999, OMIM 216550.

Allele frequency attached by ClinVar (database versions not stated): gnomAD 0.00001; TOPMed 0.00001.
gnomAD v4.1: 1 of 1,613,664 alleles (0.000062%); highest among the groups gnomAD compares: African/African-American, 0.0013%; no homozygotes.

Submissions (2):

Labcorp Genetics (formerly Invitae), Labcorp
Classification: Likely benign for Cohen syndrome. Last evaluated: 2024-12-03. Review status: criteria provided, single submitter. Criteria: Invitae Variant Classification Sherloc (09022015). Collection method: clinical testing. Allele origin: germline.

PreventionGenetics, part of Exact Sciences
Classification: Likely benign for VPS13B-related condition. Last evaluated: 2023-08-09. Review status: no assertion criteria provided. Collection method: clinical testing. Allele origin: germline. Not counted in ClinVar's aggregate classification.
Comment: This variant is classified as likely benign based on ACMG/AMP sequence variant interpretation guidelines (Richards et al. 2015 PMID: 25741868, with internal and published modifications).